The following is an entry in ClinVar:

ClinVar aggregate classification (germline): Uncertain significance (1 of 4 stars; one submission).

Allele frequency attached by ClinVar (database versions not stated): ExAC 0.00001; gnomAD 0.00001; gnomAD exomes 0.00002; TOPMed 0.00002.

Submission:

Labcorp Genetics (formerly Invitae), Labcorp
Classification: Uncertain significance. Last evaluated: 2025-10-23. Review status: criteria provided, single submitter. Criteria: Invitae Variant Classification Sherloc (09022015). Collection method: clinical testing. Allele origin: germline.
Comment: This sequence change falls in intron 2 of the RELB gene. It does not directly change the encoded amino acid sequence of the RELB protein. It affects a nucleotide within the consensus splice site. This variant is present in population databases (rs776893899, gnomAD 0.04%). This variant has not been reported in the literature in individuals affected with RELB-related conditions. ClinVar contains an entry for this variant (Variation ID: 1949833). Variants that disrupt the consensus splice site are a relatively common cause of aberrant splicing (PMID: 17576681, 9536098). Algorithms developed to predict the effect of sequence changes on RNA splicing suggest that this variant is not likely to affect RNA splicing. In summary, the available evidence is currently insufficient to determine the role of this variant in disease. Therefore, it has been classified as a Variant of Uncertain Significance.

Literature cited by the submitters: PubMed 17576681; PubMed 9536098.

NM_006509.4(RELB):c.154+5G>A

Gene: RELB (RELB proto-oncogene, NF-kB subunit; plus strand). Cytogenetic location: 19q13.32.
Variant type: single nucleotide variant.
Coding change: c.154+5G>A on transcript NM_006509.4 (MANE Select); 5 bases into the intron after coding-DNA position 154, G replaced by A.
Molecular consequence: intron variant.
Genome position (GRCh38, 1-based): chr19:45,003,001, G>A. VCF-style: chr19-45003001-G-A. GRCh37 (hg19) VCF-style: chr19-45506259-G-A.
Identifiers: ClinVar variation 1949833 (VCV001949833.5), dbSNP rs776893899, ClinGen allele CA9507444.